The following is an entry in ClinVar:

NM_000426.4(LAMA2):c.9328G>A (p.Glu3110Lys)

Gene: LAMA2 (laminin subunit alpha 2; plus strand). Cytogenetic location: 6q22.33.
Variant type: single nucleotide variant.
Coding change: c.9328G>A on transcript NM_000426.4 (MANE Select); coding-DNA position 9328, G replaced by A.
Protein change: p.Glu3110Lys; replaces glutamic acid 3110 with lysine.
Molecular consequence: missense variant.
Genome position (GRCh38, 1-based): chr6:129,516,306, G>A. VCF-style: chr6-129516306-G-A. GRCh37 (hg19) VCF-style: chr6-129837451-G-A.
Other names: c.9316G>A, p.Glu3106Lys (NM_001079823.2); short protein forms E3110K, E3106K.
Identifiers: ClinVar variation 355307 (VCV000355307.15), dbSNP rs140829166, ClinGen allele CA3995100.

ClinVar aggregate classification (germline): Uncertain significance. Review status: criteria provided, multiple submitters, no conflicts (2 of 4 stars). 6 submissions from 6 submitters: Uncertain significance (6). Last evaluated 2025-10-08.

Conditions:
Merosin deficient congenital muscular dystrophy (MDC1A). Also called: Congenital merosin-deficient muscular dystrophy 1A; Congenital Muscular Dystrophy Type 1A (MDC1A). Identifiers: Orphanet 258, MedGen C1263858, MONDO:0011925, OMIM 607855.
Muscular dystrophy, limb-girdle, autosomal recessive 23. Identifiers: Orphanet 565837, MedGen C4748327, MONDO:0029136, OMIM 618138.
Inborn genetic diseases. Identifiers: MedGen C0950123, MeSH D030342.
LAMA2-related muscular dystrophy (LAMA2-RD). Also called: Laminin alpha 2-related dystrophy. Identifiers: MedGen C5679788, MONDO:0100228.
Congenital muscular dystrophy due to partial LAMA2 deficiency. Identifiers: MedGen C1842898.

Allele frequency attached by ClinVar (database versions not stated): ExAC 0.00006; TOPMed 0.00006; gnomAD exomes 0.00007 and 0.00019; gnomAD 0.00008; ESP Exome Variant Server 0.00015.
gnomAD v4.1: 285 of 1,614,094 alleles (0.018%); highest among the groups gnomAD compares: Non-Finnish European, 0.024%; no homozygotes.

Submissions (6):

Ambry Genetics
Classification: Uncertain significance for Inborn genetic diseases. Last evaluated: 2025-10-08. Review status: criteria provided, single submitter. Criteria: Ambry Variant Classification Scheme 2023. Collection method: clinical testing. Allele origin: germline.

Blueprint Genetics
Classification: Uncertain significance. Last evaluated: 2024-05-20. Review status: criteria provided, single submitter. Criteria: ACMG Guidelines, 2015. Collection method: clinical testing. Allele origin: germline.

Labcorp Genetics (formerly Invitae), Labcorp
Classification: Uncertain significance for LAMA2-related muscular dystrophy. Last evaluated: 2022-08-22. Review status: criteria provided, single submitter. Criteria: Invitae Variant Classification Sherloc (09022015). Collection method: clinical testing. Allele origin: germline.
Comment: This sequence change replaces glutamic acid, which is acidic and polar, with lysine, which is basic and polar, at codon 3110 of the LAMA2 protein (p.Glu3110Lys). This variant is present in population databases (rs140829166, gnomAD 0.01%). This variant has not been reported in the literature in individuals affected with LAMA2-related conditions. ClinVar contains an entry for this variant (Variation ID: 355307). Advanced modeling of protein sequence and biophysical properties (such as structural, functional, and spatial information, amino acid conservation, physicochemical variation, residue mobility, and thermodynamic stability) performed at Invitae indicates that this missense variant is not expected to disrupt LAMA2 protein function. In summary, the available evidence is currently insufficient to determine the role of this variant in disease. Therefore, it has been classified as a Variant of Uncertain Significance.

Revvity Omics, Revvity
Classification: Uncertain significance. Last evaluated: 2019-06-13. Review status: criteria provided, single submitter. Criteria: ACMG Guidelines, 2015. Collection method: clinical testing. Allele origin: germline.

Fulgent Genetics
Classification: Uncertain significance for Merosin deficient congenital muscular dystrophy; Muscular dystrophy, limb-girdle, autosomal recessive 23. Last evaluated: 2018-10-31. Review status: criteria provided, single submitter. Criteria: ACMG Guidelines, 2015. Collection method: clinical testing. Allele origin: unknown.

Illumina Laboratory Services, Illumina
Classification: Uncertain significance for Congenital muscular dystrophy due to partial LAMA2 deficiency. Last evaluated: 2018-01-13. Review status: criteria provided, single submitter. Criteria: ICSL Variant Classification Criteria 13 December 2019. Collection method: clinical testing. Allele origin: germline.